The following is an entry in ClinVar:

NM_018063.5(HELLS):c.1630G>A (p.Ala544Thr)

Gene: HELLS (helicase, lymphoid specific; plus strand). Cytogenetic location: 10q23.33.
Variant type: single nucleotide variant.
Coding change: c.1630G>A on transcript NM_018063.5 (MANE Select); coding-DNA position 1630, G replaced by A.
Protein change: p.Ala544Thr; replaces alanine 544 with threonine.
Molecular consequence: missense variant.
Genome position (GRCh38, 1-based): chr10:94,590,639, G>A. VCF-style: chr10-94590639-G-A. GRCh37 (hg19) VCF-style: chr10-96350396-G-A.
Other names: c.1768G>A, p.Ala590Thr (NM_001289067.2); c.1582G>A, p.Ala528Thr (NM_001289068.2); c.1534G>A, p.Ala512Thr (NM_001289069.2); c.1336G>A, p.Ala446Thr (NM_001289070.2); c.1258G>A, p.Ala420Thr (NM_001289071.2); c.1240G>A, p.Ala414Thr (NM_001289072.2); c.1216G>A, p.Ala406Thr (NM_001289073.2); c.547G>A, p.Ala183Thr (NM_001289074.2); and 1 more; short protein forms A138T, A183T, A406T, A414T, A420T, A446T, A512T, A528T.
Identifiers: ClinVar variation 3905666 (VCV003905666.10).
Genomic context (GRCh38, chr10:94,590,639, plus strand): 5'-ATTCTTTAAACTGTGACCATTTTTTGCATTTCCCATATATGCATTATTTGTTTTGGTAGA[G>A]CTGTTGTGGAAGTGAATATCCCTGTAGAATCTGAAGTTAATCTGAAGCTGCAGAATATAA-3'
Protein context (NP_060533.2, residues 534-554): QIQPEVDRER[Ala544Thr]VVEVNIPVES

ClinVar aggregate classification (germline): Uncertain significance (1 of 4 stars; one submission).

gnomAD v4.1: 1 of 1,608,334 alleles (0.000062%); highest among the groups gnomAD compares: Non-Finnish European, 0.000085%; no homozygotes.

Submission:

CeGaT Center for Human Genetics Tuebingen
Classification: Uncertain significance. Last evaluated: 2025-05-01. Review status: criteria provided, single submitter. Criteria: CeGaT Center For Human Genetics Tuebingen Variant Classification Criteria Version 2. Collection method: clinical testing. Allele origin: germline. Affected: yes. Observed: 1 variant allele.
Comment: HELLS: PM2, PM3:Supporting, BP4